The following is an entry in ClinVar:

NM_199420.4(POLQ):c.3665C>T (p.Ala1222Val)

Gene: POLQ (DNA polymerase theta; minus strand). Cytogenetic location: 3q13.33.
Variant type: single nucleotide variant.
Coding change: c.3665C>T on transcript NM_199420.4 (MANE Select); coding-DNA position 3665, C replaced by T.
Protein change: p.Ala1222Val; replaces alanine 1222 with valine.
Molecular consequence: missense variant.
Genome position (GRCh38, 1-based): chr3:121,489,266, G>A on the plus strand (C>T on the coding strand, the complement: POLQ is on the minus strand). VCF-style: chr3-121489266-G-A. GRCh37 (hg19) VCF-style: chr3-121208113-G-A.
Other names: short protein forms A1222V.
Identifiers: ClinVar variation 1733717 (VCV001733717.2), dbSNP rs2546787112, ClinGen allele CA354098217.
Genomic context (GRCh38, chr3:121,489,266, plus strand): 5'-AGCTTTATCCTTTCACAATTGATAGTAACATTTGAGTCTCTATTTATGTAACTACTGACT[G>A]CTTCACAGGGCATTTGTCTCTCTATTATATTTTTCTGTTTGGTAATAGTGCTTGTCTGTT-3'
Protein context (NP_955452.3, residues 1212-1232): NIIERQMPCE[Ala1222Val]VSSYINRDSN

ClinVar aggregate classification (germline): Uncertain significance (1 of 4 stars; one submission).

Submission:

Ambry Genetics
Classification: Uncertain significance. Last evaluated: 2022-06-04. Review status: criteria provided, single submitter. Criteria: Ambry Variant Classification Scheme 2023. Collection method: clinical testing. Allele origin: germline.
Comment: The p.A1222V variant (also known as c.3665C>T), located in coding exon 16 of the POLQ gene, results from a C to T substitution at nucleotide position 3665. The alanine at codon 1222 is replaced by valine, an amino acid with similar properties. This amino acid position is conserved. In addition, this alteration is predicted to be tolerated by in silico analysis. Since supporting evidence is limited at this time, the clinical significance of this alteration remains unclear.